The following is an entry in ClinVar:

ClinVar aggregate classification (germline): Uncertain significance (1 of 4 stars; one submission).

Allele frequency attached by ClinVar (database versions not stated): gnomAD exomes below 0.00001; TOPMed 0.00001; gnomAD 0.00002; ESP Exome Variant Server 0.00008.
gnomAD v4.1: 4 of 1,613,350 alleles (0.00025%); highest among the groups gnomAD compares: Non-Finnish European, 0.00034%; no homozygotes.

Submission:

Labcorp Genetics (formerly Invitae), Labcorp
Classification: Uncertain significance. Last evaluated: 2026-01-05. Review status: criteria provided, single submitter. Criteria: Invitae Variant Classification Sherloc (09022015). Collection method: clinical testing. Allele origin: germline.
Comment: This sequence change replaces isoleucine, which is neutral and non-polar, with methionine, which is neutral and non-polar, at codon 296 of the YME1L1 protein (p.Ile296Met). This variant is present in population databases (rs140653762, gnomAD 0.002%). This variant has not been reported in the literature in individuals affected with YME1L1-related conditions. ClinVar contains an entry for this variant (Variation ID: 3007001). An algorithm developed to predict the effect of missense changes on protein structure and function (PolyPhen-2) suggests that this variant is likely to be tolerated. In summary, the available evidence is currently insufficient to determine the role of this variant in disease. Therefore, it has been classified as a Variant of Uncertain Significance.

NM_014263.4(YME1L1):c.717T>G (p.Ile239Met)

Gene: YME1L1 (YME1 like 1 ATPase; minus strand). Cytogenetic location: 10p12.1.
Variant type: single nucleotide variant.
Coding change: c.717T>G on transcript NM_014263.4 (MANE Select); coding-DNA position 717, T replaced by G.
Protein change: p.Ile239Met; replaces isoleucine 239 with methionine.
Molecular consequence: missense variant.
Genome position (GRCh38, 1-based): chr10:27,134,097, A>C on the plus strand (T>G on the coding strand, the complement: YME1L1 is on the minus strand). VCF-style: chr10-27134097-A-C. GRCh37 (hg19) VCF-style: chr10-27423026-A-C.
Other names: c.618T>G, p.Ile206Met (NM_001253866.2); c.888T>G, p.Ile296Met (NM_139312.3); short protein forms I206M, I239M, I296M.
Identifiers: ClinVar variation 3007001 (VCV003007001.3), dbSNP rs140653762, ClinGen allele CA204428350.